The following is an entry in ClinVar:

ClinVar aggregate classification (germline): Uncertain significance. Review status: criteria provided, multiple submitters, no conflicts (2 of 4 stars). 2 submissions from 2 submitters: Uncertain significance (2). Last evaluated 2022-02-12.

Conditions:
Inborn genetic diseases. Identifiers: MedGen C0950123, MeSH D030342.

Allele frequency attached by ClinVar (database versions not stated): gnomAD 0.00001; ExAC 0.00002; gnomAD exomes 0.00002; ESP Exome Variant Server 0.00008.
gnomAD v4.1: 31 of 1,612,750 alleles (0.0019%); highest among the groups gnomAD compares: Admixed American, 0.012%; no homozygotes.

Submissions (2):

Labcorp Genetics (formerly Invitae), Labcorp
Classification: Uncertain significance. Last evaluated: 2022-02-12. Review status: criteria provided, single submitter. Criteria: Invitae Variant Classification Sherloc (09022015). Collection method: clinical testing. Allele origin: germline.
Comment: This sequence change replaces arginine, which is basic and polar, with cysteine, which is neutral and slightly polar, at codon 89 of the HPS3 protein (p.Arg89Cys). This variant is present in population databases (rs202087344, gnomAD 0.01%). This variant has not been reported in the literature in individuals affected with HPS3-related conditions. Algorithms developed to predict the effect of missense changes on protein structure and function are either unavailable or do not agree on the potential impact of this missense change (SIFT: "Deleterious"; PolyPhen-2: "Probably Damaging"; Align-GVGD: "Class C0"). In summary, the available evidence is currently insufficient to determine the role of this variant in disease. Therefore, it has been classified as a Variant of Uncertain Significance.

Ambry Genetics
Classification: Uncertain significance for Inborn genetic diseases. Last evaluated: 2021-07-06. Review status: criteria provided, single submitter. Criteria: Ambry Variant Classification Scheme 2023. Collection method: clinical testing. Allele origin: germline.

NM_032383.5(HPS3):c.265C>T (p.Arg89Cys)

Gene: HPS3 (HPS3 biogenesis of lysosomal organelles complex 2 subunit 1; plus strand). Cytogenetic location: 3q24.
Variant type: single nucleotide variant.
Coding change: c.265C>T on transcript NM_032383.5 (MANE Select); coding-DNA position 265, C replaced by T.
Protein change: p.Arg89Cys; replaces arginine 89 with cysteine.
Molecular consequence: missense variant. On other transcripts: intron variant (1).
Genome position (GRCh38, 1-based): chr3:149,140,051, C>T. VCF-style: chr3-149140051-C-T. GRCh37 (hg19) VCF-style: chr3-148857838-C-T.
Other names: c.218-966C>T (NM_001308258.2); c.265C>T (NM_032383.3); short protein forms R89C.
Identifiers: ClinVar variation 2197653 (VCV002197653.2), dbSNP rs202087344, ClinGen allele CA2659770.